The following is an entry in ClinVar:

ClinVar aggregate classification (germline): Uncertain significance (1 of 4 stars; one submission).

Conditions:
Fanconi anemia complementation group J. Also called: BRIP1-Related Fanconi Anemia. Identifiers: Orphanet 84, MedGen C1836860, MONDO:0012187, OMIM 609054.
Familial cancer of breast. Also called: BREAST CANCER, FAMILIAL; hereditary breast carcinoma; Hereditary breast cancer. Identifiers: Orphanet 227535, MedGen C0346153, MONDO:0016419, OMIM 114480. Disease mechanism: loss of function.

Submission:

Labcorp Genetics (formerly Invitae), Labcorp
Classification: Uncertain significance for Familial cancer of breast; Fanconi anemia complementation group J. Last evaluated: 2018-01-31. Review status: criteria provided, single submitter. Criteria: Invitae Variant Classification Sherloc (09022015). Collection method: clinical testing. Allele origin: germline.
Comment: Algorithms developed to predict the effect of missense changes on protein structure and function do not agree on the potential impact of this missense change (SIFT: "Deleterious"; PolyPhen-2: "Probably Damaging"; Align-GVGD: "Class C0"). This variant has not been reported in the literature in individuals with BRIP1-related disease. ClinVar contains an entry for this variant (Variation ID: 461109). This variant is not present in population databases (ExAC no frequency). This sequence change replaces glutamic acid with lysine at codon 818 of the BRIP1 protein (p.Glu818Lys). The glutamic acid residue is highly conserved and there is a small physicochemical difference between glutamic acid and lysine. In summary, the available evidence is currently insufficient to determine the role of this variant in disease. Therefore, it has been classified as a Variant of Uncertain Significance.

NM_032043.3(BRIP1):c.2452G>A (p.Glu818Lys)

Gene: BRIP1 (BRCA1 interacting DNA helicase 1; minus strand). Cytogenetic location: 17q23.2.
Variant type: single nucleotide variant.
Coding change: c.2452G>A on transcript NM_032043.3 (MANE Select); coding-DNA position 2452, G replaced by A.
Protein change: p.Glu818Lys; replaces glutamic acid 818 with lysine.
Molecular consequence: missense variant.
Genome position (GRCh38, 1-based): chr17:61,715,991, C>T on the plus strand (G>A on the coding strand, the complement: BRIP1 is on the minus strand). VCF-style: chr17-61715991-C-T. GRCh37 (hg19) VCF-style: chr17-59793352-C-T.
Other names: short protein forms E818K.
Identifiers: ClinVar variation 461109 (VCV000461109.9), dbSNP rs1555580819, ClinGen allele CA400479557.
Genomic context (GRCh38, chr17:61,715,991, plus strand): 5'-TTAAATTTCACTCCACTTACCTACCAAGGGCCTGGTTTAAGGCCCTGTATGCTTGAATTT[C>T]ATACCACTGACGGCCAGGTAGAAGACCTCTCAATTTTGAATGGTGGTCATTGTATTGTCG-3'
Protein context (NP_114432.2, residues 808-828): RGLLPGRQWY[Glu818Lys]IQAYRALNQA